The following is an entry in ClinVar:

NM_001267550.2(TTN):c.94826A>G (p.Tyr31609Cys)

Genes: TTN (titin; minus strand), TTN-AS1 (TTN antisense RNA 1; plus strand). Cytogenetic location: 2q31.2.
Variant type: single nucleotide variant.
Coding change: c.94826A>G on transcript NM_001267550.2 (MANE Select); coding-DNA position 94826, A replaced by G.
Protein change: p.Tyr31609Cys; replaces tyrosine 31609 with cysteine.
Molecular consequence: missense variant.
Genome position (GRCh38, 1-based): chr2:178,546,602, T>C on the plus strand (A>G on the coding strand, the complement: TTN is on the minus strand). VCF-style: chr2-178546602-T-C. GRCh37 (hg19) VCF-style: chr2-179411329-T-C.
Other names: p.Y29968C:TAC>TGC; c.89903A>G, p.Tyr29968Cys (NM_001256850.1); c.67631A>G, p.Tyr22544Cys (NM_003319.4); c.87122A>G, p.Tyr29041Cys (NM_133378.4); c.68006A>G, p.Tyr22669Cys (NM_133432.3); c.68207A>G, p.Tyr22736Cys (NM_133437.4); short protein forms Y29968C, Y31609C, Y22669C, Y22544C, Y22736C, Y29041C.
Identifiers: ClinVar variation 203008 (VCV000203008.4), dbSNP rs368515116, ClinGen allele CA310962.

ClinVar aggregate classification (germline): Uncertain significance. Review status: criteria provided, multiple submitters, no conflicts (2 of 4 stars). 2 submissions from 2 submitters: Uncertain significance (2). Last evaluated 2020-03-26.

Conditions:
Cardiovascular phenotype. Identifiers: MedGen CN230736.

Allele frequency attached by ClinVar (database versions not stated): gnomAD exomes 0.00001; ExAC 0.00002; gnomAD 0.00002 and 0.00003; TOPMed 0.00002; ESP Exome Variant Server 0.00008.

Submissions (2):

Ambry Genetics
Classification: Uncertain significance for Cardiovascular phenotype. Last evaluated: 2020-03-26. Review status: criteria provided, single submitter. Criteria: Ambry Variant Classification Scheme 2023. Collection method: clinical testing. Allele origin: germline.
Comment: The p.Y22544C variant (also known as c.67631A>G), located in coding exon 168 of the TTN gene, results from an A to G substitution at nucleotide position 67631. The tyrosine at codon 22544 is replaced by cysteine, an amino acid with highly dissimilar properties. This amino acid position is highly conserved in available vertebrate species. In addition, this alteration is predicted to be tolerated by in silico analysis. Since supporting evidence is limited at this time, the clinical significance of this alteration remains unclear.

GeneDx
Classification: Uncertain significance. Last evaluated: 2017-05-02. Review status: criteria provided, single submitter. Criteria: GeneDx Variant Classification (06012015). Collection method: clinical testing. Allele origin: germline. Affected: yes.
Comment: The A637V variant of uncertain significance in the LDB3 gene has not been published as a pathogenic variant or been reported as a benign variant to our knowledge. It has been reported as a variant of uncertain significance by another clinical laboratory in ClinVar (SCV000062424.2; Landrum et al., 2016). The A637V variant was not observed with any significant frequency in approximately 6,500 individuals of European and African American ancestry in the NHLBI Exome Sequencing Project. This variant occurs at a position that is highly conserved across species; however, it is a conservative amino acid substitution, which is not likely to impact secondary protein structure as these residues share similar properties. Consequently, in silico analysis is inconsistent in its predictions as to whether or not the variant is damaging to the protein structure/function. Therefore, based on the currently available information, it is unclear whether this variant is pathogenic or benign.